The following is an entry in ClinVar:

ClinVar aggregate classification (germline): Likely pathogenic (1 of 4 stars; one submission).

Conditions:
Premature ovarian failure 9 (POF9). Identifiers: MedGen C3810376, MONDO:0014322, OMIM 615724.

Submission:

First Genomix Gene Laboratory, Genetic Diagnostics Department
Classification: Likely pathogenic for Premature ovarian failure 9. Last evaluated: 2026-01-02. Review status: criteria provided, single submitter. Criteria: ACMG Guidelines, 2015. Collection method: clinical testing. Allele origin: germline. Inheritance: Autosomal recessive inheritance. Affected: no. Observed: 1 variant allele.

NM_001017975.6(HFM1):c.1054G>T (p.Glu352Ter)

Gene: HFM1 (helicase for meiosis 1; minus strand). Cytogenetic location: 1p22.2.
Variant type: single nucleotide variant.
Coding change: c.1054G>T on transcript NM_001017975.6 (MANE Select); coding-DNA position 1054, G replaced by T.
Protein change: p.Glu352Ter; replaces glutamic acid 352 with a stop codon.
Molecular consequence: nonsense. On other transcripts: non-coding transcript variant (1).
Genome position (GRCh38, 1-based): chr1:91,379,167, C>A on the plus strand (G>T on the coding strand, the complement: HFM1 is on the minus strand). VCF-style: chr1-91379167-C-A. GRCh37 (hg19) VCF-style: chr1-91844724-C-A.
Other names: short protein forms E352*.
Identifiers: ClinVar variation 4850639 (VCV004850639.1).